The following is an entry in ClinVar:

ClinVar aggregate classification (germline): Uncertain significance. Review status: criteria provided, multiple submitters, no conflicts (2 of 4 stars). 2 submissions from 2 submitters: Uncertain significance (2). Last evaluated 2024-01-04.

Conditions:
Inborn genetic diseases. Identifiers: MedGen C0950123, MeSH D030342.

Allele frequency attached by ClinVar (database versions not stated): gnomAD exomes below 0.00001; TOPMed 0.00001.
gnomAD v4.1: 6 of 1,613,546 alleles (0.00037%); highest among the groups gnomAD compares: East Asian, 0.0045%; no homozygotes.

Submissions (2):

Ambry Genetics
Classification: Uncertain significance for Inborn genetic diseases. Last evaluated: 2024-01-04. Review status: criteria provided, single submitter. Criteria: Ambry Variant Classification Scheme 2023. Collection method: clinical testing. Allele origin: germline.

Labcorp Genetics (formerly Invitae), Labcorp
Classification: Uncertain significance. Last evaluated: 2023-12-19. Review status: criteria provided, single submitter. Criteria: Invitae Variant Classification Sherloc (09022015). Collection method: clinical testing. Allele origin: germline.
Comment: This sequence change replaces arginine, which is basic and polar, with cysteine, which is neutral and slightly polar, at codon 2048 of the DCHS1 protein (p.Arg2048Cys). This variant is not present in population databases (gnomAD no frequency). This variant has not been reported in the literature in individuals affected with DCHS1-related conditions. An algorithm developed to predict the effect of missense changes on protein structure and function (PolyPhen-2) suggests that this variant is likely to be disruptive. In summary, the available evidence is currently insufficient to determine the role of this variant in disease. Therefore, it has been classified as a Variant of Uncertain Significance.

NM_003737.4(DCHS1):c.6142C>T (p.Arg2048Cys)

Gene: DCHS1 (dachsous cadherin-related 1; minus strand). Cytogenetic location: 11p15.4.
Variant type: single nucleotide variant.
Coding change: c.6142C>T on transcript NM_003737.4 (MANE Select); coding-DNA position 6142, C replaced by T.
Protein change: p.Arg2048Cys; replaces arginine 2048 with cysteine.
Molecular consequence: missense variant.
Genome position (GRCh38, 1-based): chr11:6,626,897, G>A on the plus strand (C>T on the coding strand, the complement: DCHS1 is on the minus strand). VCF-style: chr11-6626897-G-A. GRCh37 (hg19) VCF-style: chr11-6648128-G-A.
Other names: c.6142C>T (NM_003737.2); short protein forms R2048C.
Identifiers: ClinVar variation 2716295 (VCV002716295.4), dbSNP rs1855814525, ClinGen allele CA379389071.
Genomic context (GRCh38, chr11:6,626,897, plus strand): 5'-AGCGGGGTCCACGCTCAGCTTCCCCCTGCAGTCCAACAATGATCACACCAGTGGCAGAGC[G>A]AGCTGGACGGCCAAGATCAGTGGCCACAATGAAGAGGACACGATCTCGGGGGCCTAGAGC-3'
Protein context (NP_003728.1, residues 2038-2058): IVATDLGRPA[Arg2048Cys]SATGVIIVGL